The following is an entry in ClinVar:

NM_020843.4(SCAPER):c.2646-10_2646-9del

Gene: SCAPER (S-phase cyclin A associated protein in the ER; minus strand). Cytogenetic location: 15q24.3.
Variant type: Deletion.
Coding change: c.2646-10_2646-9del on transcript NM_020843.4 (MANE Select); 10 bases into the intron before coding-DNA position 2646 through 9 bases into the intron before coding-DNA position 2646, 2 bases deleted (TT; older notation c.2646-10_2646-9delTT).
Molecular consequence: intron variant.
Genome position (GRCh38, 1-based): chr15:76,621,838-76,621,839, AA deleted on the plus strand (TT on the coding strand, the reverse complement: SCAPER is on the minus strand); deleting any 2 consecutive bases within chr15:76,621,838-76,621,844 gives the same sequence; the c. name uses the placement nearest the transcript's 3' end. VCF-style (leftmost placement, unchanged base first): chr15-76621837-GAA-G. GRCh37 (hg19) VCF-style: chr15-76914178-GAA-G.
Other names: c.2262-10_2262-9del (NM_001353011.2); c.2244-10_2244-9del (NM_001353012.2, NM_001353010.2); c.2664-10_2664-9del (NM_001353009.2); c.1908-10_1908-9del (NM_001145923.2).
Identifiers: ClinVar variation 4991557 (VCV004991557.1).

ClinVar aggregate classification (germline): Likely benign (1 of 4 stars; one submission).

Conditions:
SCAPER-related disorder. Also called: SCAPER-related condition.

Submission:

PreventionGenetics, part of Exact Sciences
Classification: Likely benign for SCAPER-related condition. Last evaluated: 2025-09-17. Review status: criteria provided, single submitter. Criteria: ACMG Guidelines, 2015. Collection method: clinical testing. Allele origin: germline.
Comment: This variant is classified as likely benign based on ACMG/AMP sequence variant interpretation guidelines (Richards et al. 2015 PMID: 25741868, with internal and published modifications).